The following is an entry in ClinVar:

NM_001042492.3(NF1):c.1969T>A (p.Ser657Thr)

Gene: NF1 (neurofibromin 1; plus strand). Cytogenetic location: 17q11.2.
Variant type: single nucleotide variant.
Coding change: c.1969T>A on transcript NM_001042492.3 (MANE Select); coding-DNA position 1969, T replaced by A.
Protein change: p.Ser657Thr; replaces serine 657 with threonine.
Molecular consequence: missense variant.
Genome position (GRCh38, 1-based): chr17:31,225,218, T>A. VCF-style: chr17-31225218-T-A. GRCh37 (hg19) VCF-style: chr17-29552236-T-A.
Other names: c.1969T>A, p.Ser657Thr (NM_000267.4); short protein forms S657T.
Identifiers: ClinVar variation 928591 (VCV000928591.2), dbSNP rs1471484159, ClinGen allele CA399005539.
Genomic context (GRCh38, chr17:31,225,218, plus strand): 5'-AGTGGAAATACCAGTCAAATGTCCATGGATCATGAAGAATTACTACGTACTCCTGGAGCC[T>A]CTCTCCGGAAGGGAAAAGGGAACTCCTCTATGGTCAGCTTCTTCTGTACTTTTTCTGTAT-3'
Protein context (NP_001035957.1, residues 647-667): HEELLRTPGA[Ser657Thr]LRKGKGNSSM

ClinVar aggregate classification (germline): Uncertain significance. Review status: criteria provided, multiple submitters, no conflicts (2 of 4 stars). 2 submissions from 2 submitters: Uncertain significance (2). Last evaluated 2025-02-07.

Conditions:
Hereditary cancer-predisposing syndrome. Also called: Neoplastic Syndromes, Hereditary; Hereditary Cancer Syndrome; Tumor predisposition; Hereditary neoplastic syndrome. Identifiers: Orphanet 140162, MedGen C0027672, MeSH D009386, MONDO:0015356.
Cardiovascular phenotype. Identifiers: MedGen CN230736.

Submissions (2):

Ambry Genetics
Classification: Uncertain significance for Cardiovascular phenotype; Hereditary cancer-predisposing syndrome. Last evaluated: 2025-02-07. Review status: criteria provided, single submitter. Criteria: Ambry Variant Classification Scheme 2023. Collection method: clinical testing. Allele origin: germline.
Comment: The p.S657T variant (also known as c.1969T>A), located in coding exon 17 of the NF1 gene, results from a T to A substitution at nucleotide position 1969. The serine at codon 657 is replaced by threonine, an amino acid with similar properties. This amino acid position is conserved. In addition, this alteration is predicted to be tolerated by in silico analysis. Based on the available evidence, the clinical significance of this variant remains unclear.

Women's Health and Genetics/Laboratory Corporation of America, LabCorp
Classification: Uncertain significance. Last evaluated: 2019-08-13. Review status: criteria provided, single submitter. Criteria: LabCorp Variant Classification Summary - May 2015. Collection method: clinical testing. Allele origin: germline.
Comment: Variant summary: NF1 c.1969T>A (p.Ser657Thr) results in a conservative amino acid change in the encoded protein sequence. Five of five in-silico tools predict a benign effect of the variant on protein function. The variant was absent in 251094 control chromosomes (gnomAD). The available data on variant occurrences in the general population are insufficient to allow any conclusion about variant significance. To our knowledge, no occurrence of c.1969T>A in individuals affected with Neurofibromatosis Type 1 and no experimental evidence demonstrating its impact on protein function have been reported. No clinical diagnostic laboratories have submitted clinical-significance assessments for this variant to ClinVar after 2014. Based on the evidence outlined above, the variant was classified as uncertain significance.